The following is an entry in ClinVar:

NM_005045.4(RELN):c.4366G>A (p.Gly1456Arg)

Gene: RELN (reelin; minus strand). Cytogenetic location: 7q22.1.
Variant type: single nucleotide variant.
Coding change: c.4366G>A on transcript NM_005045.4 (MANE Select); coding-DNA position 4366, G replaced by A.
Protein change: p.Gly1456Arg; replaces glycine 1456 with arginine.
Molecular consequence: missense variant.
Genome position (GRCh38, 1-based): chr7:103,574,237, C>T on the plus strand (G>A on the coding strand, the complement: RELN is on the minus strand). VCF-style: chr7-103574237-C-T. GRCh37 (hg19) VCF-style: chr7-103214684-C-T.
Other names: c.4366G>A, p.Gly1456Arg (NM_173054.3); short protein forms G1456R.
Identifiers: ClinVar variation 1061762 (VCV001061762.9), dbSNP rs1830946543, ClinGen allele CA368751080.

ClinVar aggregate classification (germline): Uncertain significance (1 of 4 stars; one submission).

Conditions:
Familial temporal lobe epilepsy 7. Identifiers: Orphanet 101046, MedGen C4225327, MONDO:0014639, OMIM 616436.
Norman-Roberts syndrome (LIS2). Also called: Lissencephaly 2 (Norman-Roberts type). Identifiers: Orphanet 89844, MedGen C0796089, MONDO:0009760, OMIM 257320.

Allele frequency attached by ClinVar (database versions not stated): gnomAD exomes below 0.00001; TOPMed below 0.00001.
gnomAD v4.1: 3 of 1,614,108 alleles (0.00019%); highest among the groups gnomAD compares: Non-Finnish European, 0.00025%; no homozygotes.

Submission:

Labcorp Genetics (formerly Invitae), Labcorp
Classification: Uncertain significance for Familial temporal lobe epilepsy 7; Norman-Roberts syndrome. Last evaluated: 2026-01-05. Review status: criteria provided, single submitter. Criteria: Invitae Variant Classification Sherloc (09022015). Collection method: clinical testing. Allele origin: germline.
Comment: This sequence change replaces glycine, which is neutral and non-polar, with arginine, which is basic and polar, at codon 1456 of the RELN protein (p.Gly1456Arg). This variant is not present in population databases (gnomAD no frequency). This variant has not been reported in the literature in individuals affected with RELN-related conditions. ClinVar contains an entry for this variant (Variation ID: 1061762). Invitae Evidence Modeling of protein sequence and biophysical properties (such as structural, functional, and spatial information, amino acid conservation, physicochemical variation, residue mobility, and thermodynamic stability) indicates that this missense variant is not expected to disrupt RELN protein function with a negative predictive value of 80%. In summary, the available evidence is currently insufficient to determine the role of this variant in disease. Therefore, it has been classified as a Variant of Uncertain Significance.